The following is an entry in ClinVar:

ClinVar aggregate classification (germline): Uncertain significance (1 of 4 stars; one submission).

Allele frequency attached by ClinVar (database versions not stated): gnomAD exomes 0.00001.
gnomAD v4.1: 14 of 1,613,686 alleles (0.00087%); highest among the groups gnomAD compares: East Asian, 0.0045%; no homozygotes.

Submission:

Labcorp Genetics (formerly Invitae), Labcorp
Classification: Uncertain significance. Last evaluated: 2025-08-23. Review status: criteria provided, single submitter. Criteria: Invitae Variant Classification Sherloc (09022015). Collection method: clinical testing. Allele origin: germline.
Comment: This sequence change replaces alanine, which is neutral and non-polar, with threonine, which is neutral and polar, at codon 615 of the ASXL1 protein (p.Ala615Thr). This variant is present in population databases (no rsID available, gnomAD 0.003%). This variant has not been reported in the literature in individuals affected with ASXL1-related conditions. ClinVar contains an entry for this variant (Variation ID: 2181887). An algorithm developed to predict the effect of missense changes on protein structure and function outputs the following: PolyPhen-2: "Probably Damaging". The threonine amino acid residue is found in multiple mammalian species, which suggests that this missense change does not adversely affect protein function. In summary, the available evidence is currently insufficient to determine the role of this variant in disease. Therefore, it has been classified as a Variant of Uncertain Significance.

NM_015338.6(ASXL1):c.1843G>A (p.Ala615Thr)

Gene: ASXL1 (ASXL transcriptional regulator 1; plus strand). Cytogenetic location: 20q11.21.
Variant type: single nucleotide variant.
Coding change: c.1843G>A on transcript NM_015338.6 (MANE Select); coding-DNA position 1843, G replaced by A.
Protein change: p.Ala615Thr; replaces alanine 615 with threonine.
Molecular consequence: missense variant.
Genome position (GRCh38, 1-based): chr20:32,434,555, G>A. VCF-style: chr20-32434555-G-A. GRCh37 (hg19) VCF-style: chr20-31022358-G-A.
Other names: c.1660G>A, p.Ala554Thr (NM_001363734.1); short protein forms A615T, A554T.
Identifiers: ClinVar variation 2181887 (VCV002181887.4), dbSNP rs1230703370, ClinGen allele CA408558037.